The following is an entry in ClinVar:

NM_001048174.2(MUTYH):c.200C>A (p.Ala67Asp)

Gene: MUTYH (mutY DNA glycosylase; minus strand). Cytogenetic location: 1p34.1.
Variant type: single nucleotide variant.
Coding change: c.200C>A on transcript NM_001048174.2 (MANE Select); coding-DNA position 200, C replaced by A.
Protein change: p.Ala67Asp; replaces alanine 67 with aspartic acid.
Molecular consequence: missense variant. On other transcripts: 5 prime UTR variant (4), non-coding transcript variant (2).
Genome position (GRCh38, 1-based): chr1:45,333,477, G>T on the plus strand (C>A on the coding strand, the complement: MUTYH is on the minus strand). VCF-style: chr1-45333477-G-T. GRCh37 (hg19) VCF-style: chr1-45799149-G-T.
Other names: c.200C>A, p.Ala67Asp (NM_001048171.2, NM_001048173.2, NM_001293195.2); c.203C>A, p.Ala68Asp (NM_001048172.2); c.284C>A, p.Ala95Asp (NM_001128425.2); c.245C>A, p.Ala82Asp (NM_001293190.2); c.233C>A, p.Ala78Asp (NM_001293191.2); c.-77C>A (NM_001293192.2, NM_001293196.2); c.-72C>A (NM_001350650.2, NM_001350651.2); c.275C>A, p.Ala92Asp (NM_012222.3); and 1 more; short protein forms A67D, A68D, A78D, A82D, A92D, A95D.
Identifiers: ClinVar variation 1697954 (VCV001697954.15), dbSNP rs1645363196, ClinGen allele CA340136454.

ClinVar aggregate classification (germline): Uncertain significance. Review status: criteria provided, multiple submitters, no conflicts (2 of 4 stars). 3 submissions from 3 submitters: Uncertain significance (3). Last evaluated 2025-03-04.

Conditions:
Familial adenomatous polyposis 2. Also called: ADENOMAS, MULTIPLE COLORECTAL, AUTOSOMAL RECESSIVE; MUTYH Polyposis; MUTYH-related attenuated familial adenomatous polyposis; Adenomas, multiple colorectal; MUTYH-associated polyposis; COLORECTAL ADENOMATOUS POLYPOSIS, AUTOSOMAL RECESSIVE. Identifiers: Orphanet 220460, Orphanet 247798, MedGen C3272841, MONDO:0012041, OMIM 608456.

Submissions (3):

Center for Genomic Medicine, Rigshospitalet, Copenhagen University Hospital
Classification: Uncertain significance. Last evaluated: 2025-03-04. Review status: criteria provided, single submitter. Criteria: ACMG Guidelines, 2015. Collection method: clinical testing. Allele origin: germline.

Labcorp Genetics (formerly Invitae), Labcorp
Classification: Uncertain significance for Familial adenomatous polyposis 2. Last evaluated: 2023-06-27. Review status: criteria provided, single submitter. Criteria: Invitae Variant Classification Sherloc (09022015). Collection method: clinical testing. Allele origin: germline.
Comment: An algorithm developed to predict the effect of missense changes on protein structure and function (PolyPhen-2) suggests that this variant is likely to be tolerated. ClinVar contains an entry for this variant (Variation ID: 1697954). This variant has not been reported in the literature in individuals affected with MUTYH-related conditions. This variant is not present in population databases (gnomAD no frequency). This sequence change replaces alanine, which is neutral and non-polar, with aspartic acid, which is acidic and polar, at codon 95 of the MUTYH protein (p.Ala95Asp). In summary, the available evidence is currently insufficient to determine the role of this variant in disease. Therefore, it has been classified as a Variant of Uncertain Significance.

Revvity Omics, Revvity
Classification: Uncertain significance for Familial adenomatous polyposis 2. Last evaluated: 2022-04-01. Review status: criteria provided, single submitter. Criteria: ACMG Guidelines, 2015. Collection method: clinical testing. Allele origin: germline.